The following is an entry in ClinVar:

ClinVar aggregate classification (germline): Uncertain significance. Review status: criteria provided, multiple submitters, no conflicts (2 of 4 stars). 3 submissions from 3 submitters: Uncertain significance (2). 1 of the submissions does not count toward it. Last evaluated 2025-08-25.

Conditions:
Aicardi Goutieres syndrome (AGS). Also called: Encephalopathy, familial infantile, with calcification of basal ganglia and chronic cerebrospinal fluid lymphocytosis. Identifiers: Orphanet 51, MedGen C0393591, MONDO:0018866.
Inborn genetic diseases. Identifiers: MedGen C0950123, MeSH D030342.
Aicardi-Goutieres syndrome 5. Identifiers: Orphanet 51, MedGen C2749659, MONDO:0013059, OMIM 612952.

Allele frequency attached by ClinVar (database versions not stated): TOPMed 0.00001; gnomAD 0.00002; gnomAD exomes 0.00003 and 0.00006; ExAC 0.00006; ESP Exome Variant Server 0.00008.
gnomAD v4.1: 50 of 1,613,564 alleles (0.0031%); highest among the groups gnomAD compares: Non-Finnish European, 0.0031%; no homozygotes.

Submissions (3):

Ambry Genetics
Classification: Uncertain significance for Inborn genetic diseases. Last evaluated: 2025-08-25. Review status: criteria provided, single submitter. Criteria: Ambry Variant Classification Scheme 2023. Collection method: clinical testing. Allele origin: germline.

Labcorp Genetics (formerly Invitae), Labcorp
Classification: Uncertain significance for Aicardi-Goutieres syndrome 5. Last evaluated: 2022-08-06. Review status: criteria provided, single submitter. Criteria: Invitae Variant Classification Sherloc (09022015). Collection method: clinical testing. Allele origin: germline.
Comment: This sequence change replaces glutamic acid, which is acidic and polar, with aspartic acid, which is acidic and polar, at codon 277 of the SAMHD1 protein (p.Glu277Asp). This variant is present in population databases (rs202019609, gnomAD 0.02%). This variant has not been reported in the literature in individuals affected with SAMHD1-related conditions. ClinVar contains an entry for this variant (Variation ID: 639600). Algorithms developed to predict the effect of missense changes on protein structure and function output the following: SIFT: "Tolerated"; PolyPhen-2: "Benign"; Align-GVGD: "Class C0". The aspartic acid amino acid residue is found in multiple mammalian species, which suggests that this missense change does not adversely affect protein function. In summary, the available evidence is currently insufficient to determine the role of this variant in disease. Therefore, it has been classified as a Variant of Uncertain Significance.

Natera, Inc.
Classification: Uncertain significance for Aicardi-Goutieres syndrome. Last evaluated: 2020-01-24. Review status: no assertion criteria provided. Collection method: clinical testing. Allele origin: germline. Not counted in ClinVar's aggregate classification.

NM_015474.4(SAMHD1):c.831A>T (p.Glu277Asp)

Gene: SAMHD1 (SAM and HD domain containing deoxynucleoside triphosphate triphosphohydrolase 1; minus strand). Cytogenetic location: 20q11.23.
Variant type: single nucleotide variant.
Coding change: c.831A>T on transcript NM_015474.4 (MANE Select); coding-DNA position 831, A replaced by T.
Protein change: p.Glu277Asp; replaces glutamic acid 277 with aspartic acid.
Molecular consequence: missense variant.
Genome position (GRCh38, 1-based): chr20:36,919,385, T>A on the plus strand (A>T on the coding strand, the complement: SAMHD1 is on the minus strand). VCF-style: chr20-36919385-T-A. GRCh37 (hg19) VCF-style: chr20-35547788-T-A.
Other names: c.831A>T, p.Glu277Asp (NM_001363729.2, NM_001363733.2); short protein forms E277D.
Identifiers: ClinVar variation 639600 (VCV000639600.5), dbSNP rs202019609, ClinGen allele CA9844643.